The following is an entry in ClinVar:

ClinVar aggregate classification (germline): Pathogenic/Likely pathogenic. Review status: criteria provided, multiple submitters, no conflicts (2 of 4 stars). 6 submissions from 6 submitters: Pathogenic (3); Likely pathogenic (3). Last evaluated 2026-08-06.

Conditions:
Peroxisome biogenesis disorder 11A (Zellweger). Also called: Peroxisome biogenesis disorder 11A. Identifiers: Orphanet 912, MedGen C3554000, MONDO:0013949, OMIM 614883.
Peroxisome biogenesis disorder 11B (PBD11B). Identifiers: Orphanet 44, MedGen C3554001, MONDO:0013950, OMIM 614885.
Peroxisome biogenesis disorder. Identifiers: Orphanet 79189, MedGen C1832200, MONDO:0019234. Disease mechanism: loss of function.
PEX13-related disorder. Also called: PEX13-related disorders; PEX13-related condition.

Allele frequency attached by ClinVar (database versions not stated): TOPMed 0.00001; ExAC 0.00002; gnomAD exomes 0.00002; 1000 Genomes Project 30x 0.00016; 1000 Genomes Project 0.00020.
gnomAD v4.1: 23 of 1,613,218 alleles (0.0014%); highest among the groups gnomAD compares: African/African-American, 0.0027%; no homozygotes.

Submissions (6):

OLLIN Analises Genomicas, OLLIN
Classification: Likely pathogenic for Peroxisome biogenesis disorder 11B. Last evaluated: 2026-08-06. Review status: criteria provided, single submitter. Criteria: ACMG Guidelines 2015 PMID 25741868. Collection method: clinical testing. Allele origin: germline. Inheritance: Autosomal recessive inheritance.
Comment: This nonsense variant, located in exon 2 (of 4), has been reported in ClinVar (accession VCV000575270.12) and in gnomAD with an allele frequency of 0.0014%. However, to our knowledge, it has not been reported in the scientific literature. This variant introduces a premature stop codon, which is predicted to result in either a truncated protein or degradation of the mRNA via nonsense-mediated decay (NMD). According to the currently available evidence, this variant has been classified as likely pathogenic (PVS1, PM2_P).

Women's Health and Genetics/Laboratory Corporation of America, LabCorp
Classification: Pathogenic for Peroxisome biogenesis disorder. Last evaluated: 2024-09-09. Review status: criteria provided, single submitter. Criteria: LabCorp Variant Classification Summary - May 2015. Collection method: clinical testing. Allele origin: germline.
Comment: Variant summary: PEX13 c.508C>T (p.Arg170X) results in a premature termination codon, predicted to cause a truncation of the encoded protein or absence of the protein due to nonsense mediated decay, which are commonly known mechanisms for disease. The variant allele was found at a frequency of 1.6e-05 in 251270 control chromosomes. To our knowledge, no occurrence of c.508C>T in individuals affected with Peroxisome Biogenesis Disorders, Zellweger Syndrome Spectrum and no experimental evidence demonstrating its impact on protein function have been reported. ClinVar contains an entry for this variant (Variation ID: 575270). Based on the evidence outlined above, the variant was classified as pathogenic.

Blueprint Genetics
Classification: Likely pathogenic for PEX13-related disorders. Last evaluated: 2024-06-14. Review status: criteria provided, single submitter. Criteria: ACMG Guidelines, 2015. Collection method: clinical testing. Allele origin: germline. Affected: yes. Observed: 2 variant alleles.

Labcorp Genetics (formerly Invitae), Labcorp
Classification: Pathogenic for Peroxisome biogenesis disorder 11A (Zellweger). Last evaluated: 2024-01-18. Review status: criteria provided, single submitter. Criteria: Invitae Variant Classification Sherloc (09022015). Collection method: clinical testing. Allele origin: germline.
Comment: This sequence change creates a premature translational stop signal (p.Arg170*) in the PEX13 gene. It is expected to result in an absent or disrupted protein product. Loss-of-function variants in PEX13 are known to be pathogenic (PMID: 10332040, 21031596). This variant is present in population databases (rs553968959, gnomAD 0.006%). This variant has not been reported in the literature in individuals affected with PEX13-related conditions. ClinVar contains an entry for this variant (Variation ID: 575270). For these reasons, this variant has been classified as Pathogenic.

Institute of Medical Genetics and Applied Genomics, University Hospital Tübingen
Classification: Pathogenic. Last evaluated: 2020-10-23. Review status: criteria provided, single submitter. Criteria: ACMG Guidelines, 2015. Collection method: clinical testing. Allele origin: germline. Inheritance: Unknown mechanism. Affected: yes.

Juno Genomics, Hangzhou Juno Genomics, Inc
Classification: Likely pathogenic for Peroxisome biogenesis disorder 11A (Zellweger); Peroxisome biogenesis disorder 11B. Review status: criteria provided, single submitter. Criteria: ACMG Guidelines, 2015. Collection method: clinical testing. Allele origin: germline.
Comment: Absent from controls (or at extremely low frequency if recessive) in Genome Aggregation Database.;Null variant in a gene where loss of function (LOF) is a known mechanism of disease.

Literature cited by the submitters: PubMed 10332040 (cited by Labcorp Genetics (formerly Invitae), Labcorp); PubMed 21031596 (cited by Labcorp Genetics (formerly Invitae), Labcorp).

NM_002618.4(PEX13):c.508C>T (p.Arg170Ter)

Gene: PEX13 (peroxisomal biogenesis factor 13; plus strand). Cytogenetic location: 2p15.
Variant type: single nucleotide variant.
Coding change: c.508C>T on transcript NM_002618.4 (MANE Select); coding-DNA position 508, C replaced by T.
Protein change: p.Arg170Ter; replaces arginine 170 with a stop codon.
Molecular consequence: nonsense.
Genome position (GRCh38, 1-based): chr2:61,031,834, C>T. VCF-style: chr2-61031834-C-T. GRCh37 (hg19) VCF-style: chr2-61258969-C-T.
Other names: short protein forms R170*.
Identifiers: ClinVar variation 575270 (VCV000575270.16), dbSNP rs553968959, ClinGen allele CA1673305.